The following is an entry in ClinVar:

ClinVar aggregate classification (germline): Uncertain significance. Review status: criteria provided, multiple submitters, no conflicts (2 of 4 stars). 2 submissions from 2 submitters: Uncertain significance (2). Last evaluated 2025-12-31.

Conditions:
Colorectal cancer, hereditary nonpolyposis, type 7. Identifiers: Orphanet 144, MedGen C1858380, MONDO:0013725, OMIM 614385.

Allele frequency attached by ClinVar (database versions not stated): gnomAD exomes below 0.00001 and 0.00002; TOPMed 0.00001; ExAC 0.00002; gnomAD 0.00004 and 0.00005; 1000 Genomes Project 0.00040; 1000 Genomes Project 30x 0.00047.

Submissions (2):

Labcorp Genetics (formerly Invitae), Labcorp
Classification: Uncertain significance for Colorectal cancer, hereditary nonpolyposis, type 7. Last evaluated: 2025-12-31. Review status: criteria provided, single submitter. Criteria: Invitae Variant Classification Sherloc (09022015). Collection method: clinical testing. Allele origin: germline.
Comment: This sequence change replaces methionine, which is neutral and non-polar, with leucine, which is neutral and non-polar, at codon 1189 of the MLH3 protein (p.Met1189Leu). This variant is present in population databases (rs557233869, gnomAD 0.02%). This variant has not been reported in the literature in individuals affected with MLH3-related conditions. ClinVar contains an entry for this variant (Variation ID: 649966). An algorithm developed to predict the effect of missense changes on protein structure and function (PolyPhen-2) suggests that this variant is likely to be tolerated. In summary, the available evidence is currently insufficient to determine the role of this variant in disease. Therefore, it has been classified as a Variant of Uncertain Significance.

Ambry Genetics
Classification: Uncertain significance. Last evaluated: 2025-07-03. Review status: criteria provided, single submitter. Criteria: Ambry Variant Classification Scheme 2023. Collection method: clinical testing. Allele origin: germline.
Comment: The p.M1189L variant (also known as c.3565A>C), located in coding exon 4 of the MLH3 gene, results from an A to C substitution at nucleotide position 3565. The methionine at codon 1189 is replaced by leucine, an amino acid with highly similar properties. This amino acid position is not well conserved in available vertebrate species. In addition, this alteration is predicted to be tolerated by in silico analysis. Since supporting evidence is limited at this time, the clinical significance of this alteration remains unclear.

NM_001040108.2(MLH3):c.3565A>C (p.Met1189Leu)

Gene: MLH3 (mutL homolog 3; minus strand). Cytogenetic location: 14q24.3.
Variant type: single nucleotide variant.
Coding change: c.3565A>C on transcript NM_001040108.2 (MANE Select); coding-DNA position 3565, A replaced by C.
Protein change: p.Met1189Leu; replaces methionine 1189 with leucine.
Molecular consequence: missense variant.
Genome position (GRCh38, 1-based): chr14:75,039,916, T>G on the plus strand (A>C on the coding strand, the complement: MLH3 is on the minus strand). VCF-style: chr14-75039916-T-G. GRCh37 (hg19) VCF-style: chr14-75506619-T-G.
Other names: c.3565A>C, p.Met1189Leu (NM_014381.3); short protein forms M1189L.
Identifiers: ClinVar variation 649966 (VCV000649966.12), dbSNP rs557233869, ClinGen allele CA7275453.